The following is an entry in ClinVar:

ClinVar aggregate classification (germline): Conflicting classifications of pathogenicity. Review status: criteria provided, conflicting classifications (1 of 4 stars). 3 submissions from 3 submitters: Uncertain significance (2); Likely benign (1). Last evaluated 2024-09-12.

Conditions:
Intellectual developmental disorder, autosomal dominant 1. Also called: MBD5 Haploinsufficiency; Intellectual disability, autosomal dominant 1. Identifiers: Orphanet 228402, MedGen C1969562, MONDO:0007974, OMIM 156200.

Allele frequency attached by ClinVar (database versions not stated): gnomAD exomes 0.00001 and 0.00004; TOPMed below 0.00001; gnomAD 0.00001; ExAC 0.00002.
gnomAD v4.1: 12 of 1,613,868 alleles (0.00074%); highest among the groups gnomAD compares: East Asian, 0.016%; no homozygotes.

Submissions (3):

Labcorp Genetics (formerly Invitae), Labcorp
Classification: Uncertain significance for Intellectual developmental disorder, autosomal dominant 1. Last evaluated: 2024-09-12. Review status: criteria provided, single submitter. Criteria: Invitae Variant Classification Sherloc (09022015). Collection method: clinical testing. Allele origin: germline.
Comment: This sequence change replaces isoleucine, which is neutral and non-polar, with valine, which is neutral and non-polar, at codon 497 of the MBD5 protein (p.Ile497Val). This variant is present in population databases (rs771672174, gnomAD 0.05%). This variant has not been reported in the literature in individuals affected with MBD5-related conditions. ClinVar contains an entry for this variant (Variation ID: 513684). Invitae Evidence Modeling of protein sequence and biophysical properties (such as structural, functional, and spatial information, amino acid conservation, physicochemical variation, residue mobility, and thermodynamic stability) indicates that this missense variant is not expected to disrupt MBD5 protein function with a negative predictive value of 80%. In summary, the available evidence is currently insufficient to determine the role of this variant in disease. Therefore, it has been classified as a Variant of Uncertain Significance.

Revvity Omics, Revvity
Classification: Uncertain significance. Last evaluated: 2019-12-21. Review status: criteria provided, single submitter. Criteria: ACMG Guidelines, 2015. Collection method: clinical testing. Allele origin: germline.

GeneDx
Classification: Likely benign. Last evaluated: 2017-11-28. Review status: criteria provided, single submitter. Criteria: GeneDx Variant Classification (06012015). Collection method: clinical testing. Allele origin: germline. Affected: yes.
Comment: This variant is considered likely benign or benign based on one or more of the following criteria: it is a conservative change, it occurs at a poorly conserved position in the protein, it is predicted to be benign by multiple in silico algorithms, and/or has population frequency not consistent with disease.

NM_001378120.1(MBD5):c.1489A>G (p.Ile497Val)

Gene: MBD5 (methyl-CpG binding domain protein 5; plus strand). Cytogenetic location: 2q23.1.
Variant type: single nucleotide variant.
Coding change: c.1489A>G on transcript NM_001378120.1 (MANE Select); coding-DNA position 1489, A replaced by G.
Protein change: p.Ile497Val; replaces isoleucine 497 with valine.
Molecular consequence: missense variant.
Genome position (GRCh38, 1-based): chr2:148,469,432, A>G. VCF-style: chr2-148469432-A-G. GRCh37 (hg19) VCF-style: chr2-149227001-A-G.
Other names: c.1489A>G, p.Ile497Val (NM_018328.5); short protein forms I497V.
Identifiers: ClinVar variation 513684 (VCV000513684.7), dbSNP rs771672174, ClinGen allele CA1900019.